The following is an entry in ClinVar:

NM_004525.3(LRP2):c.901A>G (p.Thr301Ala)

Gene: LRP2 (LDL receptor related protein 2; minus strand). Cytogenetic location: 2q31.1.
Variant type: single nucleotide variant.
Coding change: c.901A>G on transcript NM_004525.3 (MANE Select); coding-DNA position 901, A replaced by G.
Protein change: p.Thr301Ala; replaces threonine 301 with alanine.
Molecular consequence: missense variant.
Genome position (GRCh38, 1-based): chr2:169,290,866, T>C on the plus strand (A>G on the coding strand, the complement: LRP2 is on the minus strand). VCF-style: chr2-169290866-T-C. GRCh37 (hg19) VCF-style: chr2-170147376-T-C.
Other names: short protein forms T301A.
Identifiers: ClinVar variation 1391405 (VCV001391405.5), dbSNP rs887094134, ClinGen allele CA59939265.

ClinVar aggregate classification (germline): Uncertain significance (1 of 4 stars; one submission).

Allele frequency attached by ClinVar (database versions not stated): gnomAD exomes 0.00001; gnomAD 0.00003 and 0.00004; TOPMed 0.00003.
gnomAD v4.1: 20 of 1,613,996 alleles (0.0012%); highest among the groups gnomAD compares: African/African-American, 0.0067%; no homozygotes.

Submission:

Labcorp Genetics (formerly Invitae), Labcorp
Classification: Uncertain significance. Last evaluated: 2022-07-01. Review status: criteria provided, single submitter. Criteria: Invitae Variant Classification Sherloc (09022015). Collection method: clinical testing. Allele origin: germline.
Comment: This sequence change replaces threonine, which is neutral and polar, with alanine, which is neutral and non-polar, at codon 301 of the LRP2 protein (p.Thr301Ala). This variant is not present in population databases (gnomAD no frequency). This variant has not been reported in the literature in individuals affected with LRP2-related conditions. ClinVar contains an entry for this variant (Variation ID: 1391405). Advanced modeling of protein sequence and biophysical properties (such as structural, functional, and spatial information, amino acid conservation, physicochemical variation, residue mobility, and thermodynamic stability) performed at Invitae indicates that this missense variant is not expected to disrupt LRP2 protein function. In summary, the available evidence is currently insufficient to determine the role of this variant in disease. Therefore, it has been classified as a Variant of Uncertain Significance.